The following is an entry in ClinVar:

NM_004517.4(ILK):c.163A>G (p.Met55Val)

Genes: ILK (integrin linked kinase; plus strand), TAF10 (TATA-box binding protein associated factor 10; minus strand). Cytogenetic location: 11p15.4.
Variant type: single nucleotide variant.
Coding change: c.163A>G on transcript NM_004517.4 (MANE Select); coding-DNA position 163, A replaced by G.
Protein change: p.Met55Val; replaces methionine 55 with valine.
Molecular consequence: missense variant. On other transcripts: 3 prime UTR variant (1), intron variant (1).
Genome position (GRCh38, 1-based): chr11:6,608,119, A>G. VCF-style: chr11-6608119-A-G. GRCh37 (hg19) VCF-style: chr11-6629349-A-G.
Other names: c.163A>G, p.Met55Val (NM_001014794.3, NM_001014795.3, NM_001278441.2); c.*2803T>C (NM_006284.4); c.-147-275A>G (NM_001278442.2); short protein forms M55V.
Identifiers: ClinVar variation 849595 (VCV000849595.10), dbSNP rs781296730, ClinGen allele CA379454932.

ClinVar aggregate classification (germline): Uncertain significance (1 of 4 stars; one submission).

Conditions:
Primary familial hypertrophic cardiomyopathy (HCM). Identifiers: Orphanet 99739, MedGen C0949658, MeSH D024741, MONDO:0024573. Inheritance: Various modes of inheritance.

Allele frequency attached by ClinVar (database versions not stated): TOPMed 0.00001.
gnomAD v4.1: 4 of 1,614,038 alleles (0.00025%); highest among the groups gnomAD compares: Non-Finnish European, 0.00034%; no homozygotes.

Submission:

Labcorp Genetics (formerly Invitae), Labcorp
Classification: Uncertain significance for Primary familial hypertrophic cardiomyopathy. Last evaluated: 2023-11-27. Review status: criteria provided, single submitter. Criteria: Invitae Variant Classification Sherloc (09022015). Collection method: clinical testing. Allele origin: germline.
Comment: This sequence change replaces methionine, which is neutral and non-polar, with valine, which is neutral and non-polar, at codon 55 of the ILK protein (p.Met55Val). This variant is not present in population databases (gnomAD no frequency). This variant has not been reported in the literature in individuals affected with ILK-related conditions. ClinVar contains an entry for this variant (Variation ID: 849595). An algorithm developed to predict the effect of missense changes on protein structure and function (PolyPhen-2) suggests that this variant is likely to be tolerated. In summary, the available evidence is currently insufficient to determine the role of this variant in disease. Therefore, it has been classified as a Variant of Uncertain Significance.